The following is an entry in ClinVar:

ClinVar aggregate classification (germline): Uncertain significance. Review status: criteria provided, multiple submitters, no conflicts (2 of 4 stars). 2 submissions from 2 submitters: Uncertain significance (2). Last evaluated 2023-12-17.

Conditions:
Aortic aneurysm, familial thoracic 7 (AAT7). Also called: AORTIC DISSECTION, FAMILIAL, WITH OR WITHOUT AORTIC ANEURYSM. Identifiers: MedGen C3151077, MONDO:0013418, OMIM 613780.
Familial thoracic aortic aneurysm and aortic dissection (TAAD). Also called: Thoracic aortic aneurysms and dissections. Identifiers: Orphanet 91387, MedGen C4707243, MONDO:0019625.

Allele frequency attached by ClinVar (database versions not stated): gnomAD 0.00001; TOPMed 0.00001; gnomAD exomes 0.00002; ExAC 0.00003.
gnomAD v4.1: 3 of 1,607,960 alleles (0.00019%); highest among the groups gnomAD compares: East Asian, 0.0067%; no homozygotes.

Submissions (2):

Labcorp Genetics (formerly Invitae), Labcorp
Classification: Uncertain significance for Aortic aneurysm, familial thoracic 7. Last evaluated: 2023-12-17. Review status: criteria provided, single submitter. Criteria: Invitae Variant Classification Sherloc (09022015). Collection method: clinical testing. Allele origin: germline.
Comment: This sequence change replaces alanine, which is neutral and non-polar, with valine, which is neutral and non-polar, at codon 993 of the MYLK protein (p.Ala993Val). This variant is present in population databases (rs753339459, gnomAD 0.03%). This variant has not been reported in the literature in individuals affected with MYLK-related conditions. ClinVar contains an entry for this variant (Variation ID: 1506574). Advanced modeling of protein sequence and biophysical properties (such as structural, functional, and spatial information, amino acid conservation, physicochemical variation, residue mobility, and thermodynamic stability) performed at Invitae indicates that this missense variant is not expected to disrupt MYLK protein function with a negative predictive value of 80%. In summary, the available evidence is currently insufficient to determine the role of this variant in disease. Therefore, it has been classified as a Variant of Uncertain Significance.

Ambry Genetics
Classification: Uncertain significance for Familial thoracic aortic aneurysm and aortic dissection. Last evaluated: 2022-12-06. Review status: criteria provided, single submitter. Criteria: Ambry Variant Classification Scheme 2023. Collection method: clinical testing. Allele origin: germline.
Comment: The p.A993V variant (also known as c.2978C>T), located in coding exon 15 of the MYLK gene, results from a C to T substitution at nucleotide position 2978. The alanine at codon 993 is replaced by valine, an amino acid with similar properties. This amino acid position is conserved. In addition, this alteration is predicted to be tolerated by in silico analysis. Since supporting evidence is limited at this time, the clinical significance of this alteration remains unclear.

NM_053025.4(MYLK):c.2978C>T (p.Ala993Val)

Gene: MYLK (myosin light chain kinase; minus strand). Cytogenetic location: 3q21.1.
Variant type: single nucleotide variant.
Coding change: c.2978C>T on transcript NM_053025.4 (MANE Select); coding-DNA position 2978, C replaced by T.
Protein change: p.Ala993Val; replaces alanine 993 with valine.
Molecular consequence: missense variant.
Genome position (GRCh38, 1-based): chr3:123,700,490, G>A on the plus strand (C>T on the coding strand, the complement: MYLK is on the minus strand). VCF-style: chr3-123700490-G-A. GRCh37 (hg19) VCF-style: chr3-123419337-G-A.
Other names: c.2978C>T (NM_053025.3); c.2450C>T, p.Ala817Val (NM_001321309.2); c.2771C>T, p.Ala924Val (NM_053026.4, NM_053028.4); c.2978C>T, p.Ala993Val (NM_053027.4); short protein forms A993V, A817V, A924V.
Identifiers: ClinVar variation 1506574 (VCV001506574.7), dbSNP rs753339459, ClinGen allele CA069205.